The following is an entry in ClinVar:

ClinVar aggregate classification (germline): Uncertain significance (1 of 4 stars; one submission).

gnomAD v4.1: 1 of 1,613,218 alleles (0.000062%); no homozygotes.

Submission:

GeneDx
Classification: Uncertain significance. Last evaluated: 2026-10-05. Review status: criteria provided, single submitter. Criteria: GeneDx Variant Classification Process June 2021. Collection method: clinical testing. Allele origin: germline.
Comment: Not observed at significant frequency in large population cohorts (gnomAD); In silico analysis supports that this missense variant has a deleterious effect on protein structure/function; Has not been previously published as pathogenic or benign to our knowledge

NM_018685.5(ANLN):c.2198T>C (p.Val733Ala)

Gene: ANLN (anillin, actin binding protein; plus strand). Cytogenetic location: 7p14.2.
Variant type: single nucleotide variant.
Coding change: c.2198T>C on transcript NM_018685.5 (MANE Select); coding-DNA position 2198, T replaced by C.
Protein change: p.Val733Ala; replaces valine 733 with alanine.
Molecular consequence: missense variant.
Genome position (GRCh38, 1-based): chr7:36,421,891, T>C. VCF-style: chr7-36421891-T-C. GRCh37 (hg19) VCF-style: chr7-36461500-T-C.
Other names: c.2087T>C, p.Val696Ala (NM_001284301.3); c.2084T>C, p.Val695Ala (NM_001284302.3); short protein forms V695A, V696A, V733A.
Identifiers: ClinVar variation 4281857 (VCV004281857.2).